The following is an entry in ClinVar:

NM_018263.6(ASXL2):c.1775A>G (p.Gln592Arg)

Gene: ASXL2 (ASXL transcriptional regulator 2; minus strand). Cytogenetic location: 2p23.3.
Variant type: single nucleotide variant.
Coding change: c.1775A>G on transcript NM_018263.6 (MANE Select); coding-DNA position 1775, A replaced by G.
Protein change: p.Gln592Arg; replaces glutamine 592 with arginine.
Molecular consequence: missense variant.
Genome position (GRCh38, 1-based): chr2:25,749,781, T>C on the plus strand (A>G on the coding strand, the complement: ASXL2 is on the minus strand). VCF-style: chr2-25749781-T-C. GRCh37 (hg19) VCF-style: chr2-25972650-T-C.
Other names: c.1601A>G, p.Gln534Arg (NM_001369346.1); c.995A>G, p.Gln332Arg (NM_001369347.1); short protein forms Q332R, Q534R, Q592R.
Identifiers: ClinVar variation 2637050 (VCV002637050.3), dbSNP rs2465314149, ClinGen allele CA346074233.
Genomic context (GRCh38, chr2:25,749,781, plus strand): 5'-TGGATTCTGTCCCCTCTATTGAGAAAGGGCTGTGGTGAGACCTGAAATGGCTGCTGGTGC[T>C]GGCGATTCTCAGTGACACGTGGCCTCTTCTCCCAGCTCACAGGGGCCTCTTCTTGGGTGA-3'
Protein context (NP_060733.4, residues 582-602): EKRPRVTENR[Gln592Arg]HQQPFQVSPQ

ClinVar aggregate classification (germline): Uncertain significance. Review status: criteria provided, multiple submitters, no conflicts (2 of 4 stars). 2 submissions from 2 submitters: Uncertain significance (2). Last evaluated 2025-11-06.

Conditions:
Vascular disorder. Identifiers: MedGen C0042373, MONDO:0005385.
ASXL2-related disorder. Also called: ASXL2-related condition.

Submissions (2):

PreventionGenetics, part of Exact Sciences
Classification: Uncertain significance for ASXL2-related condition. Last evaluated: 2025-11-06. Review status: criteria provided, single submitter. Criteria: ACMG Guidelines, 2015. Collection method: clinical testing. Allele origin: germline.
Comment: The ASXL2 c.1775A>G variant is predicted to result in the amino acid substitution p.Gln592Arg. To our knowledge, this variant has not been reported in the literature or in a large population database (gnomAD), indicating this variant is rare. At this time, the clinical significance of this variant is uncertain due to the absence of conclusive functional and genetic evidence.

Cambridge Genomics Laboratory, East Genomic Laboratory Hub, NHS Genomic Medicine Service
Classification: Uncertain significance for Vascular disorder. Last evaluated: 2019-08-08. Review status: criteria provided, single submitter. Criteria: ACGS Best Practice Guidelines for Variant Classification in Rare Disease 2020. Collection method: clinical testing. Allele origin: germline. Affected: yes. Observed: 1 variant allele.